The following is an entry in ClinVar:

ClinVar aggregate classification (germline): Uncertain significance (1 of 4 stars; one submission).

Conditions:
Spongy degeneration of central nervous system. Also called: ACY2 DEFICIENCY; AMINOACYLASE 2 DEFICIENCY; ASP DEFICIENCY; ASPA DEFICIENCY; ASPARTOACYLASE DEFICIENCY; CANAVAN-VAN BOGAERT-BERTRAND DISEASE. Identifiers: Orphanet 141, MedGen C0206307, MONDO:0010079, OMIM 271900.

Allele frequency attached by ClinVar (database versions not stated): gnomAD 0.00009; ESP Exome Variant Server 0.00023; gnomAD exomes 0.00003; TOPMed 0.00008; ExAC 0.00005.
gnomAD v4.1: 61 of 1,611,812 alleles (0.0038%); highest among the groups gnomAD compares: African/African-American, 0.017%; no homozygotes.

Submission:

Labcorp Genetics (formerly Invitae), Labcorp
Classification: Uncertain significance for Spongy degeneration of central nervous system. Last evaluated: 2022-09-27. Review status: criteria provided, single submitter. Criteria: Invitae Variant Classification Sherloc (09022015). Collection method: clinical testing. Allele origin: germline.
Comment: This sequence change replaces isoleucine, which is neutral and non-polar, with threonine, which is neutral and polar, at codon 220 of the ASPA protein (p.Ile220Thr). This variant is present in population databases (rs139053885, gnomAD 0.02%). This variant has not been reported in the literature in individuals affected with ASPA-related conditions. Advanced modeling of protein sequence and biophysical properties (such as structural, functional, and spatial information, amino acid conservation, physicochemical variation, residue mobility, and thermodynamic stability) has been performed at Invitae for this missense variant, however the output from this modeling did not meet the statistical confidence thresholds required to predict the impact of this variant on ASPA protein function. In summary, the available evidence is currently insufficient to determine the role of this variant in disease. Therefore, it has been classified as a Variant of Uncertain Significance.

NM_000049.4(ASPA):c.659T>C (p.Ile220Thr)

Genes: ASPA (aspartoacylase; plus strand), SPATA22 (spermatogenesis associated 22; minus strand). Cytogenetic location: 17p13.2.
Variant type: single nucleotide variant.
Coding change: c.659T>C on transcript NM_000049.4 (MANE Select); coding-DNA position 659, T replaced by C.
Protein change: p.Ile220Thr; replaces isoleucine 220 with threonine.
Molecular consequence: missense variant. On other transcripts: intron variant (2).
Genome position (GRCh38, 1-based): chr17:3,494,374, T>C. VCF-style: chr17-3494374-T-C. GRCh37 (hg19) VCF-style: chr17-3397668-T-C.
Other names: c.659T>C, p.Ile220Thr (NM_001128085.1); c.-74+19038A>G (NM_001321336.2, NM_001321337.2); short protein forms I220T.
Identifiers: ClinVar variation 2041984 (VCV002041984.1), dbSNP rs139053885, ClinGen allele CA8289005.
Genomic context (GRCh38, chr17:3,494,374, plus strand): 5'-TTTAGTTGCCATTGATACATATTGTTTTTGTCATAGGAAAAGAATTTCCTCCCTGCGCCA[T>C]TGAGGTCTATAAAATTATAGAGAAAGTTGATTACCCCCGGGATGAAAATGGAGAAATTGC-3'
Protein context (NP_000040.1, residues 210-230): NEGKEFPPCA[Ile220Thr]EVYKIIEKVD